The following is an entry in ClinVar:

ClinVar aggregate classification (germline): Conflicting classifications of pathogenicity. Review status: criteria provided, conflicting classifications (1 of 4 stars). 4 submissions from 4 submitters: Uncertain significance (1); Likely benign (3). Last evaluated 2025-12-17.

Conditions:
Junctional epidermolysis bullosa. Identifiers: Orphanet 305, MedGen C0079301, MONDO:0017612.
LAMB3-related disorder. Also called: LAMB3-related condition.

Allele frequency attached by ClinVar (database versions not stated): TOPMed 0.00053; ESP Exome Variant Server 0.00085.
gnomAD v4.1: 379 of 1,614,096 alleles (0.023%); highest among the groups gnomAD compares: African/African-American, 0.13%; no homozygotes.

Submissions (4):

Labcorp Genetics (formerly Invitae), Labcorp
Classification: Likely benign. Last evaluated: 2025-12-17. Review status: criteria provided, single submitter. Criteria: Invitae Variant Classification Sherloc (09022015). Collection method: clinical testing. Allele origin: germline.

PreventionGenetics, part of Exact Sciences
Classification: Likely benign for LAMB3-related condition. Last evaluated: 2024-12-30. Review status: criteria provided, single submitter. Criteria: ACMG Guidelines, 2015. Collection method: clinical testing. Allele origin: germline.
Comment: This variant is classified as likely benign based on ACMG/AMP sequence variant interpretation guidelines (Richards et al. 2015 PMID: 25741868, with internal and published modifications).

Blueprint Genetics
Classification: Likely benign. Last evaluated: 2024-08-07. Review status: criteria provided, single submitter. Criteria: ACMG Guidelines, 2015. Collection method: clinical testing. Allele origin: germline.

Illumina Laboratory Services, Illumina
Classification: Uncertain significance for Junctional epidermolysis bullosa. Last evaluated: 2018-01-12. Review status: criteria provided, single submitter. Criteria: ICSL Variant Classification Criteria 13 December 2019. Collection method: clinical testing. Allele origin: germline.

NM_000228.3(LAMB3):c.2568C>T (p.Ala856=)

Gene: LAMB3 (laminin subunit beta 3; minus strand). Cytogenetic location: 1q32.2.
Variant type: single nucleotide variant.
Coding change: c.2568C>T on transcript NM_000228.3 (MANE Select); coding-DNA position 2568, C replaced by T.
Protein change: p.Ala856=; no amino-acid change (alanine 856 retained).
Molecular consequence: synonymous variant.
Genome position (GRCh38, 1-based): chr1:209,622,669, G>A on the plus strand (C>T on the coding strand, the complement: LAMB3 is on the minus strand). VCF-style: chr1-209622669-G-A. GRCh37 (hg19) VCF-style: chr1-209796014-G-A.
Other names: c.2568C>T, p.Ala856= (NM_001017402.2, NM_001127641.1).
Identifiers: ClinVar variation 736571 (VCV000736571.16), dbSNP rs148395967, ClinGen allele CA1375182.